The following is an entry in ClinVar:

ClinVar aggregate classification (germline): Pathogenic/Likely pathogenic. Review status: criteria provided, multiple submitters, no conflicts (2 of 4 stars). 4 submissions from 4 submitters: Pathogenic (1); Likely pathogenic (3). Last evaluated 2026-09-12.

Conditions:
Spastic paraplegia 18a, autosomal dominant. Identifiers: MedGen C5882694, MONDO:0957788, OMIM 620512.
Spastic paraplegia. Identifiers: MedGen C0037772, HP:0001258.

Submissions (4):

GeneDx
Classification: Likely pathogenic. Last evaluated: 2026-09-12. Review status: criteria provided, single submitter. Criteria: GeneDx Variant Classification Process June 2021. Collection method: clinical testing. Allele origin: germline.
Comment: Segregates with disease in many affected individuals from multiple families in published literature (PMID: 34734492, 38607533); In silico analysis supports that this missense variant has a deleterious effect on protein structure/function; Not observed at significant frequency in large population cohorts (gnomAD); This variant is associated with the following publications: (PMID: 32042907, 38427163, 21330303, 34734492, 38607533, 30564185, 42696048, 40225166)

CeGaT Center for Human Genetics Tuebingen
Classification: Likely pathogenic. Last evaluated: 2026-03-01. Review status: criteria provided, single submitter. Criteria: CeGaT Center For Human Genetics Tuebingen Variant Classification Criteria Version 2. Collection method: clinical testing. Allele origin: germline. Affected: yes. Observed: 1 variant allele.
Comment: ERLIN2: PP1:Strong, PM2, PS4:Moderate, PP3

Concord Molecular Medicine Laboratory, Concord Repatriation General Hospital
Classification: Likely pathogenic for Spastic paraplegia 18a, autosomal dominant. Last evaluated: 2025-02-26. Review status: criteria provided, single submitter. Criteria: ACMG Guidelines, 2015. Collection method: clinical testing. Allele origin: maternal, germline. Inheritance: Autosomal dominant inheritance. Affected: yes. Observed: 2 heterozygotes.
Comment: This variant predicts an amino acid change from valine to methionine at codon 168 of the ER lipid raft associated 2 protein. This is a rare variant that is absent in control population database (gnomAD v4.1.0). This variant has been reported in 3 families with dominant spastic paraplegia and segregates with disease. In silico analysis suggests the variant to be pathogenic.

Labcorp Genetics (formerly Invitae), Labcorp
Classification: Pathogenic for Spastic paraplegia. Last evaluated: 2024-06-24. Review status: criteria provided, single submitter. Criteria: Invitae Variant Classification Sherloc (09022015). Collection method: clinical testing. Allele origin: germline.
Comment: This sequence change replaces valine, which is neutral and non-polar, with methionine, which is neutral and non-polar, at codon 168 of the ERLIN2 protein (p.Val168Met). This variant is not present in population databases (gnomAD no frequency). This missense change has been observed in individuals with autosomal dominant spastic paraplegia (PMID: 32042907, 34734492). It has also been observed to segregate with disease in related individuals. ClinVar contains an entry for this variant (Variation ID: 956477). Advanced modeling of protein sequence and biophysical properties (such as structural, functional, and spatial information, amino acid conservation, physicochemical variation, residue mobility, and thermodynamic stability) performed at Invitae indicates that this missense variant is expected to disrupt ERLIN2 protein function with a positive predictive value of 80%. For these reasons, this variant has been classified as Pathogenic.

Literature cited by the submitters: PubMed 32042907 (cited by Concord Molecular Medicine Laboratory, Concord Repatriation General Hospital and Labcorp Genetics (formerly Invitae), Labcorp); PubMed 34734492 (cited by Concord Molecular Medicine Laboratory, Concord Repatriation General Hospital and Labcorp Genetics (formerly Invitae), Labcorp); PubMed 38607533 (cited by Concord Molecular Medicine Laboratory, Concord Repatriation General Hospital).

NM_007175.8(ERLIN2):c.502G>A (p.Val168Met)

Gene: ERLIN2 (ER lipid raft associated 2; plus strand). Cytogenetic location: 8p11.23.
Variant type: single nucleotide variant.
Coding change: c.502G>A on transcript NM_007175.8 (MANE Select); coding-DNA position 502, G replaced by A.
Protein change: p.Val168Met; replaces valine 168 with methionine.
Molecular consequence: missense variant.
Genome position (GRCh38, 1-based): chr8:37,749,797, G>A. VCF-style: chr8-37749797-G-A. GRCh37 (hg19) VCF-style: chr8-37607315-G-A.
Other names: c.502G>A, p.Val168Met (NM_001362878.2); short protein forms V168M.
Identifiers: ClinVar variation 956477 (VCV000956477.15), dbSNP rs1803173923, ClinGen allele CA370658859.